The following is an entry in ClinVar:

NM_001042492.3(NF1):c.215G>A (p.Gly72Glu)

Gene: NF1 (neurofibromin 1; plus strand). Cytogenetic location: 17q11.2.
Variant type: single nucleotide variant.
Coding change: c.215G>A on transcript NM_001042492.3 (MANE Select); coding-DNA position 215, G replaced by A.
Protein change: p.Gly72Glu; replaces glycine 72 with glutamic acid.
Molecular consequence: missense variant.
Genome position (GRCh38, 1-based): chr17:31,159,020, G>A. VCF-style: chr17-31159020-G-A. GRCh37 (hg19) VCF-style: chr17-29486038-G-A.
Other names: c.215G>A, p.Gly72Glu (NM_000267.4, NM_001128147.3); short protein forms G72E.
Identifiers: ClinVar variation 3634477 (VCV003634477.2).

ClinVar aggregate classification (germline): Uncertain significance (1 of 4 stars; one submission).

Conditions:
Neurofibromatosis, type 1 (NF1). Also called: VON RECKLINGHAUSEN DISEASE; Peripheral type neurofibromatosis; NEUROFIBROMATOSIS, TYPE I, SOMATIC; Neurofibromatosis, type I. Identifiers: Orphanet 636, MedGen C0027831, MONDO:0018975, OMIM 162200. Disease mechanism: loss of function.

Submission:

Labcorp Genetics (formerly Invitae), Labcorp
Classification: Uncertain significance for Neurofibromatosis, type 1. Last evaluated: 2024-09-13. Review status: criteria provided, single submitter. Criteria: Invitae Variant Classification Sherloc (09022015). Collection method: clinical testing. Allele origin: germline.
Comment: This sequence change replaces glycine, which is neutral and non-polar, with glutamic acid, which is acidic and polar, at codon 72 of the NF1 protein (p.Gly72Glu). This variant is not present in population databases (gnomAD no frequency). This variant has not been reported in the literature in individuals affected with NF1-related conditions. Invitae Evidence Modeling of protein sequence and biophysical properties (such as structural, functional, and spatial information, amino acid conservation, physicochemical variation, residue mobility, and thermodynamic stability) has been performed for this missense variant. However, the output from this modeling did not meet the statistical confidence thresholds required to predict the impact of this variant on NF1 protein function. In summary, the available evidence is currently insufficient to determine the role of this variant in disease. Therefore, it has been classified as a Variant of Uncertain Significance.